The following is an entry in ClinVar:

ClinVar aggregate classification (germline): Uncertain significance (1 of 4 stars; one submission).

Allele frequency attached by ClinVar (database versions not stated): ExAC 0.00001; gnomAD exomes 0.00001.
gnomAD v4.1: 3 of 1,613,722 alleles (0.00019%); highest among the groups gnomAD compares: Admixed American, 0.005%; no homozygotes.

Submission:

Labcorp Genetics (formerly Invitae), Labcorp
Classification: Uncertain significance. Last evaluated: 2022-04-17. Review status: criteria provided, single submitter. Criteria: Invitae Variant Classification Sherloc (09022015). Collection method: clinical testing. Allele origin: germline.
Comment: Advanced modeling of protein sequence and biophysical properties (such as structural, functional, and spatial information, amino acid conservation, physicochemical variation, residue mobility, and thermodynamic stability) performed at Invitae indicates that this missense variant is not expected to disrupt CYP4V2 protein function. In summary, the available evidence is currently insufficient to determine the role of this variant in disease. Therefore, it has been classified as a Variant of Uncertain Significance. This variant has not been reported in the literature in individuals affected with CYP4V2-related conditions. This variant is present in population databases (rs756675453, gnomAD 0.006%). This sequence change replaces serine, which is neutral and polar, with threonine, which is neutral and polar, at codon 115 of the CYP4V2 protein (p.Ser115Thr).

NM_207352.4(CYP4V2):c.343T>A (p.Ser115Thr)

Gene: CYP4V2 (cytochrome P450 family 4 subfamily V member 2; plus strand). Cytogenetic location: 4q35.1.
Variant type: single nucleotide variant.
Coding change: c.343T>A on transcript NM_207352.4 (MANE Select); coding-DNA position 343, T replaced by A.
Protein change: p.Ser115Thr; replaces serine 115 with threonine.
Molecular consequence: missense variant.
Genome position (GRCh38, 1-based): chr4:186,196,018, T>A. VCF-style: chr4-186196018-T-A. GRCh37 (hg19) VCF-style: chr4-187117172-T-A.
Other names: short protein forms S115T.
Identifiers: ClinVar variation 1359476 (VCV001359476.8), dbSNP rs756675453, ClinGen allele CA3162525.
Genomic context (GRCh38, chr4:186,196,018, plus strand): 5'-GTTTGATGTCTGTATGTCTCTAAAGTATGTTTTTCTCTTCCTAAGGTAATTTTAACTAGT[T>A]CAAAGCAAATTGACAAATCCTCTATGTACAAGTTTTTAGAACCATGGCTTGGCCTAGGAC-3'
Protein context (NP_997235.3, residues 105-125): AENVEVILTS[Ser115Thr]KQIDKSSMYK